The following is an entry in ClinVar:

ClinVar aggregate classification (germline): Uncertain significance (1 of 4 stars; one submission).

Conditions:
Peroxisome biogenesis disorder 11A (Zellweger). Also called: Peroxisome biogenesis disorder 11A. Identifiers: Orphanet 912, MedGen C3554000, MONDO:0013949, OMIM 614883.

Submission:

Labcorp Genetics (formerly Invitae), Labcorp
Classification: Uncertain significance for Peroxisome biogenesis disorder 11A (Zellweger). Last evaluated: 2021-12-01. Review status: criteria provided, single submitter. Criteria: Invitae Variant Classification Sherloc (09022015). Collection method: clinical testing. Allele origin: germline.
Comment: This sequence change replaces valine, which is neutral and non-polar, with isoleucine, which is neutral and non-polar, at codon 154 of the PEX13 protein (p.Val154Ile). This variant is not present in population databases (gnomAD no frequency). This variant has not been reported in the literature in individuals affected with PEX13-related conditions. Algorithms developed to predict the effect of missense changes on protein structure and function are either unavailable or do not agree on the potential impact of this missense change (SIFT: "Tolerated"; PolyPhen-2: "Possibly Damaging"; Align-GVGD: "Class C0"). In summary, the available evidence is currently insufficient to determine the role of this variant in disease. Therefore, it has been classified as a Variant of Uncertain Significance.

NM_002618.4(PEX13):c.460G>A (p.Val154Ile)

Gene: PEX13 (peroxisomal biogenesis factor 13; plus strand). Cytogenetic location: 2p15.
Variant type: single nucleotide variant.
Coding change: c.460G>A on transcript NM_002618.4 (MANE Select); coding-DNA position 460, G replaced by A.
Protein change: p.Val154Ile; replaces valine 154 with isoleucine.
Molecular consequence: missense variant.
Genome position (GRCh38, 1-based): chr2:61,031,786, G>A. VCF-style: chr2-61031786-G-A. GRCh37 (hg19) VCF-style: chr2-61258921-G-A.
Other names: short protein forms V154I.
Identifiers: ClinVar variation 1354633 (VCV001354633.6), dbSNP rs2104803454, ClinGen allele CA346942831.